The following is an entry in ClinVar:

ClinVar aggregate classification (germline): Likely benign. Review status: criteria provided, multiple submitters, no conflicts (2 of 4 stars). 3 submissions from 3 submitters: Likely benign (2). 1 of the submissions does not count toward it. Last evaluated 2025-02-04.

Conditions:
NOTCH1-related disorder. Also called: NOTCH1-related condition; NOTCH1-related disorders.
Adams-Oliver syndrome 5 (AOS5). Identifiers: Orphanet 974, MedGen C4014970, MONDO:0014459, OMIM 616028.
Familial thoracic aortic aneurysm and aortic dissection (TAAD). Also called: Thoracic aortic aneurysms and dissections. Identifiers: Orphanet 91387, MedGen C4707243, MONDO:0019625.

Submissions (3):

Labcorp Genetics (formerly Invitae), Labcorp
Classification: Likely benign for Adams-Oliver syndrome 5. Last evaluated: 2025-02-04. Review status: criteria provided, single submitter. Criteria: Invitae Variant Classification Sherloc (09022015). Collection method: clinical testing. Allele origin: germline.

Ambry Genetics
Classification: Likely benign for Familial thoracic aortic aneurysm and aortic dissection. Last evaluated: 2024-04-05. Review status: criteria provided, single submitter. Criteria: Ambry Variant Classification Scheme 2023. Collection method: clinical testing. Allele origin: germline.

PreventionGenetics, part of Exact Sciences
Classification: Likely benign for NOTCH1-related condition. Last evaluated: 2024-08-23. Review status: no assertion criteria provided. Collection method: clinical testing. Allele origin: germline. Not counted in ClinVar's aggregate classification.
Comment: This variant is classified as likely benign based on ACMG/AMP sequence variant interpretation guidelines (Richards et al. 2015 PMID: 25741868, with internal and published modifications).

NM_017617.5(NOTCH1):c.2811C>T (p.Phe937=)

Gene: NOTCH1 (notch receptor 1; minus strand). Cytogenetic location: 9q34.3.
Variant type: single nucleotide variant.
Coding change: c.2811C>T on transcript NM_017617.5 (MANE Select); coding-DNA position 2811, C replaced by T.
Protein change: p.Phe937=; no amino-acid change (phenylalanine 937 retained).
Molecular consequence: synonymous variant.
Genome position (GRCh38, 1-based): chr9:136,509,891, G>A on the plus strand (C>T on the coding strand, the complement: NOTCH1 is on the minus strand). VCF-style: chr9-136509891-G-A. GRCh37 (hg19) VCF-style: chr9-139404343-G-A.
Other names: c.2811C>T (NM_017617.3, NM_017617.4).
Identifiers: ClinVar variation 1125187 (VCV001125187.11), dbSNP rs2133351104, ClinGen allele CA467716230.